The following is an entry in ClinVar:

NM_133433.4(NIPBL):c.7789del (p.Leu2597fs)

Gene: NIPBL (NIPBL cohesin loading factor; plus strand). Cytogenetic location: 5p13.2.
Variant type: Deletion.
Coding change: c.7789del on transcript NM_133433.4 (MANE Select); coding-DNA position 7789, one base deleted (C; older notation c.7789delC).
Protein change: p.Leu2597fs; shifts the reading frame from leucine 2597.
Molecular consequence: frameshift variant.
Genome position (GRCh38, 1-based): chr5:37,060,947, C deleted; the last of 2 consecutive C bases (chr5:37,060,946-37,060,947); deleting either gives the same sequence. VCF-style (leftmost placement, unchanged base first): chr5-37060945-TC-T. GRCh37 (hg19) VCF-style: chr5-37061047-TC-T.
Other names: c.7789del, p.Leu2597fs (NM_015384.5); short protein forms L2597fs.
Identifiers: ClinVar variation 99942 (VCV000099942.11), dbSNP rs80358368, ClinGen allele CA267566.

ClinVar aggregate classification (germline): Pathogenic. Review status: criteria provided, multiple submitters, no conflicts (2 of 4 stars). 4 submissions from 4 submitters: Pathogenic (4). Last evaluated 2025-06-10.

Conditions:
NIPBL-related disorder. Also called: NIPBL-related condition.
Cornelia de Lange syndrome 1 (CDLS1). Also called: TYPUS DEGENERATIVUS AMSTELODAMENSIS; NIPBL-Related Cornelia de Lange Syndrome; Brachmann de Lange syndrome. Identifiers: Orphanet 199, MedGen C4551851, MONDO:0007387, OMIM 122470.

Submissions (4):

PreventionGenetics, part of Exact Sciences
Classification: Pathogenic for NIPBL-related condition. Last evaluated: 2025-06-10. Review status: criteria provided, single submitter. Criteria: ACMG Guidelines, 2015. Collection method: clinical testing. Allele origin: germline.
Comment: The NIPBL c.7789delC variant is predicted to result in a frameshift and premature protein termination (p.Leu2597Cysfs*14). This variant has been reported in multiple individuals with Cornelia de Lange syndrome (Table S1, Kaur et al. 2023. PubMed ID: 37377026; Ansari et al. 2014. PubMed ID: 25125236; Yu et al. 2023. PubMed ID: 36913886). It has also been reported de novo in a fetus with intrauterine growth restriction (Table S3, Fu et al. 2022. PubMed ID: 36307859). This variant has not been reported in a large population database, indicating this variant is rare. Frameshift variants in NIPBL are expected to be pathogenic. This variant is interpreted as pathogenic.

Genome-Nilou Lab
Classification: Pathogenic for Cornelia de Lange syndrome 1. Last evaluated: 2021-07-15. Review status: criteria provided, single submitter. Criteria: ACMG Guidelines, 2015. Collection method: clinical testing. Allele origin: germline. Affected: no.

GeneDx
Classification: Pathogenic. Last evaluated: 2016-03-11. Review status: criteria provided, single submitter. Criteria: GeneDx Variant Classification (06012015). Collection method: clinical testing. Allele origin: germline. Affected: yes.
Comment: The c.7789delC pathogenic variant in the NIPBL gene has been reported previously (as L2597Cfs*14 due to the use of alternative nomenclature) in association with Cornelia de Lange syndrome (Ansari et al., 2014). The c.7789delC variant causes a frameshift starting with codon Leucine 2597, changes this amino acid to a Cysteine residue, and creates a premature Stop codon at position 14 of the new reading frame, denoted p.Leu2597CysfsX14. This variant is predicted to cause loss of normal protein function either through protein truncation or nonsense-mediated mRNA decay. The c.7789delC variant was not observed in approximately 6500 individuals of European and African American ancestry in the NHLBI Exome Sequencing Project, indicating it is not a common benign variant in these populations. We interpret c.7789delC as a pathogenic variant.

Genetic Services Laboratory, University of Chicago
Classification: Pathogenic for Cornelia de Lange syndrome 1. Last evaluated: 2013-02-08. Review status: criteria provided, single submitter. Criteria: ACMG Guidelines, 2007. Collection method: clinical testing. Allele origin: germline. Inheritance: Autosomal dominant inheritance. Affected: yes.